The following is an entry in ClinVar:

NM_025114.4(CEP290):c.4972A>G (p.Thr1658Ala)

Gene: CEP290 (centrosomal protein 290; minus strand). Cytogenetic location: 12q21.32.
Variant type: single nucleotide variant.
Coding change: c.4972A>G on transcript NM_025114.4 (MANE Select); coding-DNA position 4972, A replaced by G.
Protein change: p.Thr1658Ala; replaces threonine 1658 with alanine.
Molecular consequence: missense variant.
Genome position (GRCh38, 1-based): chr12:88,083,071, T>C on the plus strand (A>G on the coding strand, the complement: CEP290 is on the minus strand). VCF-style: chr12-88083071-T-C. GRCh37 (hg19) VCF-style: chr12-88476848-T-C.
Other names: short protein forms T1658A.
Identifiers: ClinVar variation 1385802 (VCV001385802.3), dbSNP rs1237184267, ClinGen allele CA385992736.
Genomic context (GRCh38, chr12:88,083,071, plus strand): 5'-AATACATTTCGAAGACTTACTGTAATTTGATATTTTCAAATTCTTTTACTTTTAATTCAG[T>C]GATTTCTCTTTGTCTCTCCAAATCTTGTGATACTTTCTTTAGTTTGACCAAGAGTGAGGA-3'
Protein context (NP_079390.3, residues 1648-1668): SQDLERQREI[Thr1658Ala]ELKVKEFENI

ClinVar aggregate classification (germline): Uncertain significance (1 of 4 stars; one submission).

Conditions:
Joubert syndrome. Also called: CEREBELLOPARENCHYMAL DISORDER IV; JOUBERT-BOLTSHAUSER SYNDROME; Familial aplasia of the vermis. Identifiers: Orphanet 475, MedGen C5979921, MONDO:0018772.
Nephronophthisis. Also called: Juvenile Nephronophthisis. Identifiers: Orphanet 655, MedGen C0687120, MONDO:0019005, HP:0000090.
Meckel-Gruber syndrome. Also called: DYSENCEPHALIA SPLANCHNOCYSTICA; GRUBER SYNDROME; Dysencephalia splachnocystica. Identifiers: Orphanet 564, MedGen C0265215, MONDO:0018921.

Allele frequency attached by ClinVar (database versions not stated): TOPMed 0.00002; gnomAD 0.00003.

Submission:

Labcorp Genetics (formerly Invitae), Labcorp
Classification: Uncertain significance for Joubert syndrome; Meckel-Gruber syndrome; Nephronophthisis. Last evaluated: 2022-07-21. Review status: criteria provided, single submitter. Criteria: Invitae Variant Classification Sherloc (09022015). Collection method: clinical testing. Allele origin: germline.
Comment: This sequence change replaces threonine, which is neutral and polar, with alanine, which is neutral and non-polar, at codon 1658 of the CEP290 protein (p.Thr1658Ala). This variant is present in population databases (no rsID available, gnomAD 0.01%). This variant has not been reported in the literature in individuals affected with CEP290-related conditions. ClinVar contains an entry for this variant (Variation ID: 1385802). Algorithms developed to predict the effect of missense changes on protein structure and function are either unavailable or do not agree on the potential impact of this missense change (SIFT: "Tolerated"; PolyPhen-2: "Possibly Damaging"; Align-GVGD: "Class C0"). In summary, the available evidence is currently insufficient to determine the role of this variant in disease. Therefore, it has been classified as a Variant of Uncertain Significance.